The following is an entry in ClinVar:

NM_004055.5(CAPN5):c.371A>G (p.His124Arg)

Gene: CAPN5 (calpain 5; plus strand). Cytogenetic location: 11q13.5.
Variant type: single nucleotide variant.
Coding change: c.371A>G on transcript NM_004055.5 (MANE Select); coding-DNA position 371, A replaced by G.
Protein change: p.His124Arg; replaces histidine 124 with arginine.
Molecular consequence: missense variant.
Genome position (GRCh38, 1-based): chr11:77,112,662, A>G. VCF-style: chr11-77112662-A-G. GRCh37 (hg19) VCF-style: chr11-76823708-A-G.
Other names: c.371A>G (NM_004055.4); short protein forms H124R.
Identifiers: ClinVar variation 1037515 (VCV001037515.9), dbSNP rs1051815308, ClinGen allele CA224825300.

ClinVar aggregate classification (germline): Uncertain significance. Review status: criteria provided, multiple submitters, no conflicts (2 of 4 stars). 2 submissions from 2 submitters: Uncertain significance (2). Last evaluated 2024-10-03.

Conditions:
Inborn genetic diseases. Identifiers: MedGen C0950123, MeSH D030342.

Allele frequency attached by ClinVar (database versions not stated): gnomAD 0.00002; gnomAD exomes 0.00002; TOPMed 0.00002.
gnomAD v4.1: 28 of 1,613,870 alleles (0.0017%); highest among the groups gnomAD compares: Non-Finnish European, 0.0022%; no homozygotes.

Submissions (2):

Labcorp Genetics (formerly Invitae), Labcorp
Classification: Uncertain significance. Last evaluated: 2024-10-03. Review status: criteria provided, single submitter. Criteria: Invitae Variant Classification Sherloc (09022015). Collection method: clinical testing. Allele origin: germline.
Comment: This sequence change replaces histidine, which is basic and polar, with arginine, which is basic and polar, at codon 124 of the CAPN5 protein (p.His124Arg). This variant is present in population databases (no rsID available, gnomAD 0.005%). This variant has not been reported in the literature in individuals affected with CAPN5-related conditions. ClinVar contains an entry for this variant (Variation ID: 1037515). Invitae Evidence Modeling of protein sequence and biophysical properties (such as structural, functional, and spatial information, amino acid conservation, physicochemical variation, residue mobility, and thermodynamic stability) indicates that this missense variant is not expected to disrupt CAPN5 protein function with a negative predictive value of 80%. In summary, the available evidence is currently insufficient to determine the role of this variant in disease. Therefore, it has been classified as a Variant of Uncertain Significance.

Ambry Genetics
Classification: Uncertain significance for Inborn genetic diseases. Last evaluated: 2024-03-01. Review status: criteria provided, single submitter. Criteria: Ambry Variant Classification Scheme 2023. Collection method: clinical testing. Allele origin: germline.